The following is an entry in ClinVar:

NM_139278.4(LGI3):c.425C>T (p.Ser142Leu)

Gene: LGI3 (leucine rich repeat LGI family member 3; minus strand). Cytogenetic location: 8p21.3.
Variant type: single nucleotide variant.
Coding change: c.425C>T on transcript NM_139278.4 (MANE Select); coding-DNA position 425, C replaced by T.
Protein change: p.Ser142Leu; replaces serine 142 with leucine.
Molecular consequence: missense variant.
Genome position (GRCh38, 1-based): chr8:22,154,037, G>A on the plus strand (C>T on the coding strand, the complement: LGI3 is on the minus strand). VCF-style: chr8-22154037-G-A. GRCh37 (hg19) VCF-style: chr8-22011550-G-A.
Other names: short protein forms S142L.
Identifiers: ClinVar variation 4685005 (VCV004685005.1).

ClinVar aggregate classification (germline): Uncertain significance (1 of 4 stars; one submission).

Conditions:
Intellectual developmental disorder with muscle tone abnormalities and distal skeletal defects (IDDMDS). Identifiers: MedGen C5774199, MONDO:0859277, OMIM 620007.

gnomAD v4.1: 3 of 1,614,056 alleles (0.00019%); highest among the groups gnomAD compares: Non-Finnish European, 0.00017%; no homozygotes.

Submission:

Kasturba Medical College, Manipal, Kasturba Medical College, Manipal, Manipal Academy of Higher Education, Manipal, India
Classification: Uncertain significance for Intellectual developmental disorder with muscle tone abnormalities and distal skeletal defects. Last evaluated: 2026-01-06. Review status: criteria provided, single submitter. Criteria: ACMG Guidelines, 2015. Collection method: research. Allele origin: biparental. Inheritance: Autosomal recessive inheritance. Affected: yes. Observed: 1 homozygote.
Comment: Sanger validation and segregation analysis in the family showed that the variant was present in homozygous state in both the probands and in heterozygous state in the parents. This variant is present in three individuals in heterozygous state and absent in homozygous state in gnomAD population database(v4.1.0). The variant is not present in homozygous and/or heterozygous state in our in-house database of 3840 exomes. In-silico prediction tools (REVEL, CADD_phred) are consistent in predicting the variant to be damaging to the LGI3 protein function.